The following is an entry in ClinVar:

ClinVar aggregate classification (germline): Uncertain significance (1 of 4 stars; one submission).

Conditions:
Autosomal recessive ataxia, Beauce type. Also called: SYNE1-Related Autosomal Recessive Cerebellar Ataxia; Spinocerebellar ataxia, autosomal recessive 8; ATAXIA, RECESSIVE, OF BEAUCE; SYNE1 Deficiency. Identifiers: Orphanet 88644, MedGen C1853116, MONDO:0012549, OMIM 610743.
Emery-Dreifuss muscular dystrophy 4, autosomal dominant (EDMD4). Also called: EMERY-DREIFUSS MUSCULAR DYSTROPHY 4 WITH VARIABLE FEATURES. Identifiers: Orphanet 261, MedGen C2751807, MONDO:0013071, OMIM 612998.

gnomAD v4.1: 8 of 1,613,184 alleles (0.0005%); highest among the groups gnomAD compares: South Asian, 0.0088%; no homozygotes.

Submission:

Labcorp Genetics (formerly Invitae), Labcorp
Classification: Uncertain significance for Emery-Dreifuss muscular dystrophy 4, autosomal dominant; Autosomal recessive ataxia, Beauce type. Last evaluated: 2025-11-16. Review status: criteria provided, single submitter. Criteria: Invitae Variant Classification Sherloc (09022015). Collection method: clinical testing. Allele origin: germline.
Comment: This sequence change replaces threonine, which is neutral and polar, with asparagine, which is neutral and polar, at codon 7285 of the SYNE1 protein (p.Thr7285Asn). This variant is present in population databases (rs762944070, gnomAD 0.01%). This variant has not been reported in the literature in individuals affected with SYNE1-related conditions. An algorithm developed to predict the effect of missense changes on protein structure and function (PolyPhen-2) suggests that this variant is likely to be disruptive. In summary, the available evidence is currently insufficient to determine the role of this variant in disease. Therefore, it has been classified as a Variant of Uncertain Significance.

NM_182961.4(SYNE1):c.22067C>A (p.Thr7356Asn)

Gene: SYNE1 (spectrin repeat containing nuclear envelope protein 1; minus strand). Cytogenetic location: 6q25.2.
Variant type: single nucleotide variant.
Coding change: c.22067C>A on transcript NM_182961.4 (MANE Select); coding-DNA position 22067, C replaced by A.
Protein change: p.Thr7356Asn; replaces threonine 7356 with asparagine.
Molecular consequence: missense variant.
Genome position (GRCh38, 1-based): chr6:152,218,381, G>T on the plus strand (C>A on the coding strand, the complement: SYNE1 is on the minus strand). VCF-style: chr6-152218381-G-T. GRCh37 (hg19) VCF-style: chr6-152539516-G-T.
Other names: c.21854C>A, p.Thr7285Asn (NM_033071.5); short protein forms T7356N, T7285N.
Identifiers: ClinVar variation 4788020 (VCV004788020.1).